The following is an entry in ClinVar:

NM_000059.4(BRCA2):c.7681C>A (p.Gln2561Lys)

Gene: BRCA2 (BRCA2 DNA repair associated; plus strand). Cytogenetic location: 13q13.1.
Variant type: single nucleotide variant.
Coding change: c.7681C>A on transcript NM_000059.4 (MANE Select); coding-DNA position 7681, C replaced by A.
Protein change: p.Gln2561Lys; replaces glutamine 2561 with lysine.
Molecular consequence: missense variant.
Genome position (GRCh38, 1-based): chr13:32,357,805, C>A. VCF-style: chr13-32357805-C-A. GRCh37 (hg19) VCF-style: chr13-32931942-C-A.
Other names: c.7585C>A, p.Gln2529Lys (NM_001406719.1); c.7681C>A, p.Gln2561Lys (NM_001406720.1); c.2749C>A, p.Gln917Lys (NM_001406721.1); c.1264C>A, p.Gln422Lys (NM_001406722.1); short protein forms Q2561K, Q422K, Q917K, Q2529K.
Identifiers: ClinVar variation 1760118 (VCV001760118.3), dbSNP rs80358994, ClinGen allele CA387745121.

ClinVar aggregate classification (germline): Uncertain significance. Review status: criteria provided, multiple submitters, no conflicts (2 of 4 stars). 2 submissions from 2 submitters: Uncertain significance (2). Last evaluated 2023-05-31.

Conditions:
Hereditary cancer-predisposing syndrome. Also called: Neoplastic Syndromes, Hereditary; Tumor predisposition; Hereditary neoplastic syndrome; Hereditary Cancer Syndrome. Identifiers: Orphanet 140162, MedGen C0027672, MeSH D009386, MONDO:0015356.
Breast-ovarian cancer, familial, susceptibility to, 2 (BROVCA2). Also called: BRCA2 Hereditary Breast and Ovarian Cancer. Identifiers: Orphanet 145, MedGen C2675520, MONDO:0012933, OMIM 612555. Disease mechanism: loss of function.

Submissions (2):

All of Us Research Program, National Institutes of Health
Classification: Uncertain significance for Breast-ovarian cancer, familial, susceptibility to, 2. Last evaluated: 2023-05-31. Review status: criteria provided, single submitter. Criteria: ACMG Guidelines, 2015. Collection method: clinical testing. Allele origin: germline. Inheritance: Autosomal dominant inheritance. Observed: 1 variant allele, 1 heterozygote.
Comment: This study involves interpretation of variants in research participants for the purpose of population health screening. Participant phenotype was not available at the time of variant classification. Additional details can be found in publication PMID: 35346344, PMCID: PMC8962531

Ambry Genetics
Classification: Uncertain significance for Hereditary cancer-predisposing syndrome. Last evaluated: 2021-12-11. Review status: criteria provided, single submitter. Criteria: Ambry Variant Classification Scheme 2023. Collection method: clinical testing. Allele origin: germline.
Comment: The p.Q2561K variant (also known as c.7681C>A), located in coding exon 15 of the BRCA2 gene, results from a C to A substitution at nucleotide position 7681. The glutamine at codon 2561 is replaced by lysine, an amino acid with similar properties. This amino acid position is conserved. In addition, the in silico prediction for this alteration is inconclusive. Since supporting evidence is limited at this time, the clinical significance of this alteration remains unclear.